The following is an entry in ClinVar:

NM_018426.3(TMEM63B):c.1948A>C (p.Met650Leu)

Gene: TMEM63B (transmembrane protein 63B; plus strand). Cytogenetic location: 6p21.1.
Variant type: single nucleotide variant.
Coding change: c.1948A>C on transcript NM_018426.3 (MANE Select); coding-DNA position 1948, A replaced by C.
Protein change: p.Met650Leu; replaces methionine 650 with leucine.
Molecular consequence: missense variant.
Genome position (GRCh38, 1-based): chr6:44,153,681, A>C. VCF-style: chr6-44153681-A-C. GRCh37 (hg19) VCF-style: chr6-44121418-A-C.
Other names: c.1948A>C, p.Met650Leu (NM_001318792.1); short protein forms M650L.
Identifiers: ClinVar variation 2751944 (VCV002751944.3), dbSNP rs1451427618, ClinGen allele CA364305081.

ClinVar aggregate classification (germline): Uncertain significance (1 of 4 stars; one submission).

Allele frequency attached by ClinVar (database versions not stated): gnomAD 0.00001.
gnomAD v4.1: 1 of 1,613,650 alleles (0.000062%); highest among the groups gnomAD compares: Admixed American, 0.0017%; no homozygotes.

Submission:

Labcorp Genetics (formerly Invitae), Labcorp
Classification: Uncertain significance. Last evaluated: 2024-02-18. Review status: criteria provided, single submitter. Criteria: Invitae Variant Classification Sherloc (09022015). Collection method: clinical testing. Allele origin: germline.
Comment: This sequence change replaces methionine, which is neutral and non-polar, with leucine, which is neutral and non-polar, at codon 650 of the TMEM63B protein (p.Met650Leu). This variant is present in population databases (no rsID available, gnomAD 0.1%). This variant has not been reported in the literature in individuals affected with TMEM63B-related conditions. Advanced modeling of protein sequence and biophysical properties (such as structural, functional, and spatial information, amino acid conservation, physicochemical variation, residue mobility, and thermodynamic stability) performed at Invitae indicates that this missense variant is not expected to disrupt TMEM63B protein function with a negative predictive value of 80%. In summary, the available evidence is currently insufficient to determine the role of this variant in disease. Therefore, it has been classified as a Variant of Uncertain Significance.